The following is an entry in ClinVar:

ClinVar aggregate classification (germline): Likely pathogenic (1 of 4 stars; one submission).

Conditions:
Hereditary neuropathy or pain disorder.

Submission:

Cambridge Genomics Laboratory, East Genomic Laboratory Hub, NHS Genomic Medicine Service
Classification: Likely pathogenic for Hereditary neuropathy or pain disorder. Last evaluated: 2023-11-23. Review status: criteria provided, single submitter. Criteria: ACGS Best Practice Guidelines for Variant Classification in Rare Disease 2020. Collection method: clinical testing. Allele origin: germline. Affected: yes.
Comment: The p.Ile418Thr variant is novel (not in any individuals) in gnomAD All. The p.Ile418Thr variant is novel (not in any individuals) in 1kG All. The p.Ile418Thr variant is novel (not in any individuals) in gnomAD Genomes v3 All. (PM2 - Moderate) | The gene OPA1 has a low rate of benign missense variation as indicated by a high missense variants Z-Score of 2.04. The gene OPA1 contains 44 pathogenic missense variants, indicating that missense variants are a common mechanism of disease in this gene. (PP2 - Supporting) | There are no benign variants within 3 amino acid positions of the variant p.Ile418Thr. (PM1 - Moderate) | The p.Ile418Thr missense variant is predicted to be damaging by both SIFT and PolyPhen2. The isoleucine residue at codon 418 of OPA1 is conserved in all mammalian species. The nucleotide c.1253 in OPA1 is predicted conserved by GERP++ and PhyloP across 100 vertebrates. (PP3 - Supporting)

NM_130837.3(OPA1):c.1418T>C (p.Ile473Thr)

Gene: OPA1 (OPA1 mitochondrial dynamin like GTPase; plus strand). Cytogenetic location: 3q29.
Variant type: single nucleotide variant.
Coding change: c.1418T>C on transcript NM_130837.3 (MANE Select); coding-DNA position 1418, T replaced by C.
Protein change: p.Ile473Thr; replaces isoleucine 473 with threonine.
Molecular consequence: missense variant.
Genome position (GRCh38, 1-based): chr3:193,643,568, T>C. VCF-style: chr3-193643568-T-C. GRCh37 (hg19) VCF-style: chr3-193361357-T-C.
Other names: c.884T>C, p.Ile295Thr (NM_001354663.2); c.881T>C, p.Ile294Thr (NM_001354664.2); c.1253T>C, p.Ile418Thr (NM_015560.3); c.1145T>C, p.Ile382Thr (NM_130831.3); c.1199T>C, p.Ile400Thr (NM_130832.3); c.1256T>C, p.Ile419Thr (NM_130833.3); c.1307T>C, p.Ile436Thr (NM_130834.3); c.1310T>C, p.Ile437Thr (NM_130835.3); and 1 more; short protein forms I294T, I295T, I382T, I400T, I418T, I419T, I436T, I437T.
Identifiers: ClinVar variation 4812853 (VCV004812853.1).